The following is an entry in ClinVar:

ClinVar aggregate classification (germline): Uncertain significance. Review status: criteria provided, multiple submitters, no conflicts (2 of 4 stars). 2 submissions from 2 submitters: Uncertain significance (2). Last evaluated 2025-04-12.

Conditions:
Hereditary cancer-predisposing syndrome. Also called: Tumor predisposition; Hereditary Cancer Syndrome; Hereditary neoplastic syndrome; Neoplastic Syndromes, Hereditary. Identifiers: Orphanet 140162, MedGen C0027672, MeSH D009386, MONDO:0015356.
Melanoma, cutaneous malignant, susceptibility to, 8. Also called: Cutaneous malignant melanoma 8; MELANOMA AND RENAL CELL CARCINOMA, SUSCEPTIBILITY TO. Identifiers: Orphanet 293822, MedGen C3152204, MONDO:0013759, OMIM 614456.
Tietz syndrome (TADS). Also called: HYPOPIGMENTATION/DEAFNESS OF TIETZ; TIETZ ALBINISM-DEAFNESS SYNDROME; ALBINISM-DEAFNESS OF TIETZ. Identifiers: Orphanet 42665, MedGen C0391816, MONDO:0007077, OMIM 103500.
Waardenburg syndrome type 2A (WS2A). Also called: WAARDENBURG SYNDROME WITHOUT DYSTOPIA CANTHORUM. Identifiers: Orphanet 3440, MedGen C1860339, MONDO:0008671, OMIM 193510.

Submissions (2):

Ambry Genetics
Classification: Uncertain significance for Hereditary cancer-predisposing syndrome. Last evaluated: 2025-04-12. Review status: criteria provided, single submitter. Criteria: Ambry Variant Classification Scheme 2023. Collection method: clinical testing. Allele origin: germline.
Comment: The p.S394T variant (also known as c.1180T>A), located in coding exon 9 of the MITF gene, results from a T to A substitution at nucleotide position 1180. The serine at codon 394 is replaced by threonine, an amino acid with similar properties. This amino acid position is conserved. In addition, this alteration is predicted to be tolerated by in silico analysis. Based on the available evidence, the clinical significance of this variant remains unclear.

Labcorp Genetics (formerly Invitae), Labcorp
Classification: Uncertain significance for Melanoma, cutaneous malignant, susceptibility to, 8; Waardenburg syndrome type 2A; Tietz syndrome. Last evaluated: 2024-11-20. Review status: criteria provided, single submitter. Criteria: Invitae Variant Classification Sherloc (09022015). Collection method: clinical testing. Allele origin: germline.
Comment: This sequence change replaces serine, which is neutral and polar, with threonine, which is neutral and polar, at codon 394 of the MITF protein (p.Ser394Thr). This variant is not present in population databases (gnomAD no frequency). This variant has not been reported in the literature in individuals affected with MITF-related conditions. Invitae Evidence Modeling of protein sequence and biophysical properties (such as structural, functional, and spatial information, amino acid conservation, physicochemical variation, residue mobility, and thermodynamic stability) indicates that this missense variant is not expected to disrupt MITF protein function with a negative predictive value of 80%. In summary, the available evidence is currently insufficient to determine the role of this variant in disease. Therefore, it has been classified as a Variant of Uncertain Significance.

NM_001354604.2(MITF):c.1501T>A (p.Ser501Thr)

Gene: MITF (melanocyte inducing transcription factor; plus strand). Cytogenetic location: 3p13.
Variant type: single nucleotide variant.
Coding change: c.1501T>A on transcript NM_001354604.2 (MANE Select); coding-DNA position 1501, T replaced by A.
Protein change: p.Ser501Thr; replaces serine 501 with threonine.
Molecular consequence: missense variant.
Genome position (GRCh38, 1-based): chr3:69,965,168, T>A. VCF-style: chr3-69965168-T-A. GRCh37 (hg19) VCF-style: chr3-70014319-T-A.
Other names: c.1180T>A, p.Ser394Thr (NM_000248.4); c.1327T>A, p.Ser443Thr (NM_001184967.2, NM_001354608.2); c.1498T>A, p.Ser500Thr (NM_001354605.2); c.1480T>A, p.Ser494Thr (NM_001354606.2, NM_006722.3); c.1432T>A, p.Ser478Thr (NM_001354607.2); c.1162T>A, p.Ser388Thr (NM_198158.3); c.1483T>A, p.Ser495Thr (NM_198159.3); c.1435T>A, p.Ser479Thr (NM_198177.3); and 1 more; short protein forms S332T, S388T, S394T, S443T, S478T, S479T, S494T, S495T.
Identifiers: ClinVar variation 3749604 (VCV003749604.3).